The following is an entry in ClinVar:

NM_001127222.2(CACNA1A):c.2959del (p.Arg987fs)

Gene: CACNA1A (calcium voltage-gated channel subunit alpha1 A; minus strand). Cytogenetic location: 19p13.13.
Variant type: Deletion.
Coding change: c.2959del on transcript NM_001127222.2 (MANE Select); coding-DNA position 2959, one base deleted (C; older notation c.2959delC).
Protein change: p.Arg987fs; shifts the reading frame from arginine 987.
Molecular consequence: frameshift variant.
Genome position (GRCh38, 1-based): chr19:13,298,674, G deleted on the plus strand (C on the coding strand, the reverse complement: CACNA1A is on the minus strand); the first of 3 consecutive G bases (chr19:13,298,674-13,298,676); deleting any one gives the same sequence. VCF-style (leftmost placement, unchanged base first): chr19-13298673-CG-C. GRCh37 (hg19) VCF-style: chr19-13409487-CG-C.
Other names: c.2971del, p.Arg991fs (NM_000068.4, NM_023035.3); c.2960delC, p.Arg988Glyfs (NM_001127221.1); c.2962del, p.Arg988fs (NM_001127221.2, NM_001174080.2); short protein forms R988fs, R987fs, R991fs.
Identifiers: ClinVar variation 4088178 (VCV004088178.1).

ClinVar aggregate classification (germline): Pathogenic (1 of 4 stars; one submission).

Submission:

GeneDx
Classification: Pathogenic. Last evaluated: 2025-03-25. Review status: criteria provided, single submitter. Criteria: GeneDx Variant Classification Process June 2021. Collection method: clinical testing. Allele origin: germline. Affected: yes.
Comment: Frameshift variant predicted to result in protein truncation or nonsense mediated decay in a gene for which loss of function is a known mechanism of disease; Not observed at significant frequency in large population cohorts (gnomAD); Has not been previously published as pathogenic or benign to our knowledge